The following is an entry in ClinVar:

ClinVar aggregate classification (germline): Conflicting classifications of pathogenicity. Review status: criteria provided, conflicting classifications (1 of 4 stars). 3 submissions from 3 submitters: Likely pathogenic (1); Uncertain significance (2). Last evaluated 2022-06-22.

Conditions:
Frontotemporal dementia (FTD1). Also called: Frontotemporal lobe dementia (FLDEM); Dementia, frontotemporal, with or without parkinsonism; FRONTOTEMPORAL LOBAR DEGENERATION WITH TAU INCLUSIONS; FTLD WITH TAU INCLUSIONS; FRONTOTEMPORAL DEMENTIA WITH PARKINSONISM; FRONTOTEMPORAL LOBE DEMENTIA. Identifiers: Orphanet 282, MedGen C0338451, MONDO:0017276, OMIM 600274, HP:0002145.

Allele frequency attached by ClinVar (database versions not stated): ExAC 0.00001; gnomAD 0.00001; TOPMed 0.00003; gnomAD exomes 0.00004.
gnomAD v4.1: 55 of 1,612,648 alleles (0.0034%); highest among the groups gnomAD compares: East Asian, 0.0045%; no homozygotes.

Submissions (3):

Labcorp Genetics (formerly Invitae), Labcorp
Classification: Uncertain significance for Frontotemporal dementia. Last evaluated: 2022-06-22. Review status: criteria provided, single submitter. Criteria: Invitae Variant Classification Sherloc (09022015). Collection method: clinical testing. Allele origin: germline.
Comment: In summary, the available evidence is currently insufficient to determine the role of this variant in disease. Therefore, it has been classified as a Variant of Uncertain Significance. Algorithms developed to predict the effect of missense changes on protein structure and function are either unavailable or do not agree on the potential impact of this missense change (SIFT: "Tolerated"; PolyPhen-2: "Probably Damaging"; Align-GVGD: "Class C0"). This variant has not been reported in the literature in individuals affected with MAPT-related conditions. This variant is present in population databases (rs771662961, gnomAD 0.003%). This sequence change replaces glycine, which is neutral and non-polar, with serine, which is neutral and polar, at codon 207 of the MAPT protein (p.Gly207Ser).

GeneDx
Classification: Uncertain significance. Last evaluated: 2022-04-13. Review status: criteria provided, single submitter. Criteria: GeneDx Variant Classification Process June 2021. Collection method: clinical testing. Allele origin: germline. Affected: yes.
Comment: Not observed at significant frequency in large population cohorts (gnomAD); In silico analysis supports that this missense variant has a deleterious effect on protein structure/function; Has not been previously published as pathogenic or benign to our knowledge; This variant is associated with the following publications: (PMID: 29684490)

Human Genome Lab, NIMHANS, National Institute of Mental Health and Neuro Sciences
Classification: Likely pathogenic for Frontotemporal dementia. Review status: criteria provided, single submitter. Criteria: ACMG Guidelines, 2015. Collection method: clinical testing. Allele origin: germline. Inheritance: Autosomal dominant inheritance. Affected: yes. Observed: 2 variant alleles.
Comment: The p.Gly207Ser variant is novel (not in any individuals) in 1kG All. The p.Gly207Ser variant is observed in 55/1,612,648 (0.0034%) alleles from individuals of gnomAD v4 All background in gnomAD v4 All. The p.Gly207Ser variant is observed in 7/264,690 (0.0026%) alleles from individuals of TopMed All background in TopMed (PM2). The gene MAPT has a low rate of benign missense variation as indicated by a high missense variants Z-Score of 3.00. The gene MAPT contains 17 pathogenic missense variants, indicating that missense variants are a common mechanism of disease in this gene (PP2). The p.Gly207Ser missense variant is predicted to be damaging by both SIFT and PolyPhen2. The nucleotide c.619 in MAPT is predicted conserved by GERP++ and PhyloP across 100 vertebrates (PP3). Patient's phenotype or family history is highly specific for a disease with a single genetic etiology (PP4_Moderate). ACMG Criteria - PM2 PP2 PP3 PP4_Moderate

NM_001377265.1(MAPT):c.1795G>A (p.Gly599Ser)

Gene: MAPT (microtubule associated protein tau). Cytogenetic location: 17q21.31.
Variant type: single nucleotide variant.
Coding change: c.1795G>A on transcript NM_001377265.1 (MANE Select); coding-DNA position 1795, G replaced by A.
Protein change: p.Gly599Ser; replaces glycine 599 with serine.
Molecular consequence: missense variant.
Genome position (GRCh38, 1-based): chr17:45,996,461, G>A. VCF-style: chr17-45996461-G-A. GRCh37 (hg19) VCF-style: chr17-44073827-G-A.
Other names: c.1624G>A, p.Gly542Ser (NM_001123066.4); c.532G>A, p.Gly178Ser (NM_001123067.4, NM_001203251.2, NM_001377267.1); c.619G>A, p.Gly207Ser (NM_001203252.2, NM_005910.6); c.1597G>A, p.Gly533Ser (NM_001377266.1); c.445G>A, p.Gly149Ser (NM_001377268.1, NM_016834.5, NM_016841.5); c.1570G>A, p.Gly524Ser (NM_016835.5); short protein forms G149S, G178S, G207S, G524S, G533S, G542S, G599S.
Identifiers: ClinVar variation 1710755 (VCV001710755.8), dbSNP rs771662961, ClinGen allele CA8618035.
Genomic context (GRCh38, chr17:45,996,461, plus strand): 5'-GAACCTCCAAAATCAGGGGATCGCAGCGGCTACAGCAGCCCCGGCTCCCCAGGCACTCCC[G>A]GCAGCCGCTCCCGCACCCCGTCCCTTCCAACCCCACCCACCCGGGAGCCCAAGAAGGTGG-3'
Protein context (NP_001364194.1, residues 589-609): YSSPGSPGTP[Gly599Ser]SRSRTPSLPT